The following is an entry in ClinVar:

ClinVar aggregate classification (germline): Uncertain significance (1 of 4 stars; one submission).

Allele frequency attached by ClinVar (database versions not stated): gnomAD exomes below 0.00001; gnomAD 0.00001.
gnomAD v4.1: 3 of 1,614,118 alleles (0.00019%); highest among the groups gnomAD compares: Non-Finnish European, 0.00025%; no homozygotes.

Submission:

Labcorp Genetics (formerly Invitae), Labcorp
Classification: Uncertain significance. Last evaluated: 2022-08-30. Review status: criteria provided, single submitter. Criteria: Invitae Variant Classification Sherloc (09022015). Collection method: clinical testing. Allele origin: germline.
Comment: This sequence change replaces tryptophan, which is neutral and slightly polar, with glycine, which is neutral and non-polar, at codon 1856 of the NBAS protein (p.Trp1856Gly). In summary, the available evidence is currently insufficient to determine the role of this variant in disease. Therefore, it has been classified as a Variant of Uncertain Significance. Algorithms developed to predict the effect of missense changes on protein structure and function (SIFT, PolyPhen-2, Align-GVGD) all suggest that this variant is likely to be disruptive. This variant has not been reported in the literature in individuals affected with NBAS-related conditions. This variant is present in population databases (no rsID available, gnomAD 0.007%).

NM_015909.4(NBAS):c.5566T>G (p.Trp1856Gly)

Gene: NBAS (NBAS subunit of NRZ tethering complex; minus strand). Cytogenetic location: 2p24.3.
Variant type: single nucleotide variant.
Coding change: c.5566T>G on transcript NM_015909.4 (MANE Select); coding-DNA position 5566, T replaced by G.
Protein change: p.Trp1856Gly; replaces tryptophan 1856 with glycine.
Molecular consequence: missense variant. On other transcripts: non-coding transcript variant (1).
Genome position (GRCh38, 1-based): chr2:15,275,642, A>C on the plus strand (T>G on the coding strand, the complement: NBAS is on the minus strand). VCF-style: chr2-15275642-A-C. GRCh37 (hg19) VCF-style: chr2-15415766-A-C.
Other names: short protein forms W1856G.
Identifiers: ClinVar variation 1716846 (VCV001716846.5), dbSNP rs1215898176, ClinGen allele CA345882697.
Genomic context (GRCh38, chr2:15,275,642, plus strand): 5'-CATGAAGCCACTCCGGTGAAGAGCCTGGGACTTGTTTAATGAGATGAGGGTCTCCAGTCC[A>C]GAACAACTTCTGTAACCAGATGGTGTACAGAGAGCTTGGGGAAAGCATCTGTCCATCCTT-3'
Protein context (NP_056993.2, residues 1846-1866): LYTIWLQKLF[Trp1856Gly]TGDPHLIKQV